The following is an entry in ClinVar:

ClinVar aggregate classification (germline): Uncertain significance. Review status: criteria provided, multiple submitters, no conflicts (2 of 4 stars). 2 submissions from 2 submitters: Uncertain significance (2). Last evaluated 2024-06-20.

Conditions:
Breast-ovarian cancer, familial, susceptibility to, 4. Identifiers: Orphanet 145, MedGen C3280345, MONDO:0013669, OMIM 614291.

Submissions (2):

KCCC/NGS Laboratory, Kuwait Cancer Control Center
Classification: Uncertain significance for Breast-ovarian cancer, familial, susceptibility to, 4. Last evaluated: 2024-06-20. Review status: criteria provided, single submitter. Criteria: ACMG Guidelines, 2015. Collection method: clinical testing. Allele origin: germline. Inheritance: Autosomal dominant inheritance. Affected: yes. Observed: 1 heterozygote.
Comment: This variant has not been reported in the literature in individuals affected with RAD51D-related conditions. This variant is not present in population databases (gnomAD no frequency). This sequence change falls in intron 7 of the RAD51D gene. It does not directly change the encoded amino acid sequence of the RAD51D protein. It affects a nucleotide within the consensus splice site. This variant has not been reported in the literature in individuals affected with RAD51D-related conditions. This variant is not present in population databases (gnomAD no frequency).Algorithms developed to predict the effect of sequence changes on RNA splicing suggest that this variant may disrupt the consensus splice site. Variants that disrupt the consensus splice site are a relatively common cause of aberrant splicing (PMID: 17576681, 9536098). In summary, the available evidence is currently insufficient to determine the role of this variant in disease. Therefore, it has been classified as a Variant of Uncertain Significance. Pathogenic variant in RAD51D associated with susceptibility to familial Breastovarian cancer (#614291 ).

Labcorp Genetics (formerly Invitae), Labcorp
Classification: Uncertain significance for Breast-ovarian cancer, familial, susceptibility to, 4. Last evaluated: 2022-10-21. Review status: criteria provided, single submitter. Criteria: Invitae Variant Classification Sherloc (09022015). Collection method: clinical testing. Allele origin: germline.
Comment: This variant is not present in population databases (gnomAD no frequency). This sequence change falls in intron 7 of the RAD51D gene. It does not directly change the encoded amino acid sequence of the RAD51D protein. It affects a nucleotide within the consensus splice site. This variant has not been reported in the literature in individuals affected with RAD51D-related conditions. In summary, the available evidence is currently insufficient to determine the role of this variant in disease. Therefore, it has been classified as a Variant of Uncertain Significance. Variants that disrupt the consensus splice site are a relatively common cause of aberrant splicing (PMID: 17576681, 9536098). Algorithms developed to predict the effect of sequence changes on RNA splicing suggest that this variant may disrupt the consensus splice site.

Literature cited by the submitters: PubMed 17576681 (cited by Labcorp Genetics (formerly Invitae), Labcorp); PubMed 9536098 (cited by Labcorp Genetics (formerly Invitae), Labcorp).

NM_002878.4(RAD51D):c.667+5G>C

Genes: RAD51D (RAD51 paralog D; minus strand), RAD51L3-RFFL (RAD51L3-RFFL readthrough; minus strand). Cytogenetic location: 17q12.
Variant type: single nucleotide variant.
Coding change: c.667+5G>C on transcript NM_002878.4 (MANE Select); 5 bases into the intron after coding-DNA position 667, G replaced by C.
Molecular consequence: intron variant.
Genome position (GRCh38, 1-based): chr17:35,103,449, C>G on the plus strand (G>C on the coding strand, the complement: RAD51D is on the minus strand). VCF-style: chr17-35103449-C-G. GRCh37 (hg19) VCF-style: chr17-33430468-C-G.
Other names: c.331+5G>C (NM_133629.3, NM_133629.2); c.727+5G>C (NM_001142571.2).
Identifiers: ClinVar variation 2187609 (VCV002187609.6), dbSNP rs2142420121, ClinGen allele CA2580093470.
Genomic context (GRCh38, chr17:35,103,449, plus strand): 5'-CCAGACTCCAGAGCTGGGAGGCGAGGTCACATTCCACTGGCCCCAGGCTCTGCCACATCA[C>G]TCACCTTCCCTCTGCTGACCTCCCAGAAGTGGGGAAACCACCGCAGTGACCGAGTCCACA-3'